The following is an entry in ClinVar:

NM_000548.5(TSC2):c.263T>G (p.Leu88Arg)

Gene: TSC2 (TSC complex subunit 2; plus strand). Cytogenetic location: 16p13.3.
Variant type: single nucleotide variant.
Coding change: c.263T>G on transcript NM_000548.5 (MANE Select); coding-DNA position 263, T replaced by G.
Protein change: p.Leu88Arg; replaces leucine 88 with arginine.
Molecular consequence: missense variant. On other transcripts: non-coding transcript variant (5), intron variant (9), 5 prime UTR variant (14).
Genome position (GRCh38, 1-based): chr16:2,053,379, T>G. VCF-style: chr16-2053379-T-G. GRCh37 (hg19) VCF-style: chr16-2103380-T-G.
Other names: c.226-917T>G (NM_001406678.1, NM_001406670.1, NM_001318827.2); c.-1-2817T>G (NM_001406682.1, NM_001406684.1, NM_001406685.1 and 3 more transcripts); c.263T>G, p.Leu88Arg (NM_001077183.3, NM_001114382.3, NM_001363528.2 and 10 more transcripts); c.116T>G, p.Leu39Arg (NM_001318829.2, NM_001406675.1, NM_001406676.1 and 2 more transcripts); c.296T>G, p.Leu99Arg (NM_001318832.2); c.-554T>G (NM_001406680.1, NM_001406683.1, NM_001406687.1); c.-183T>G (NM_001406681.1); c.-1169T>G (NM_001406689.1, NM_001406690.1, NM_001406691.1 and 2 more transcripts); and 4 more; short protein forms L99R, L88R, L39R.
Identifiers: ClinVar variation 2564654 (VCV002564654.2), dbSNP rs2548397140, ClinGen allele CA394305612.

ClinVar aggregate classification (germline): Uncertain significance (1 of 4 stars; one submission).

Conditions:
Hereditary cancer-predisposing syndrome. Also called: Neoplastic Syndromes, Hereditary; Hereditary Cancer Syndrome; Hereditary neoplastic syndrome; Tumor predisposition. Identifiers: Orphanet 140162, MedGen C0027672, MeSH D009386, MONDO:0015356.

Submission:

Ambry Genetics
Classification: Uncertain significance for Hereditary cancer-predisposing syndrome. Last evaluated: 2023-04-18. Review status: criteria provided, single submitter. Criteria: Ambry Variant Classification Scheme 2023. Collection method: clinical testing. Allele origin: germline.
Comment: The p.L88R variant (also known as c.263T>G), located in coding exon 3 of the TSC2 gene, results from a T to G substitution at nucleotide position 263. The leucine at codon 88 is replaced by arginine, an amino acid with dissimilar properties. This amino acid position is conserved. In addition, this alteration is predicted to be deleterious by in silico analysis. Since supporting evidence is limited at this time, the clinical significance of this alteration remains unclear.